The following is an entry in ClinVar:

ClinVar aggregate classification (germline): Uncertain significance (1 of 4 stars; one submission).

Allele frequency attached by ClinVar (database versions not stated): TOPMed below 0.00001; gnomAD 0.00002.
gnomAD v4.1: 21 of 1,605,810 alleles (0.0013%); highest among the groups gnomAD compares: South Asian, 0.0055%; no homozygotes.

Submission:

Labcorp Genetics (formerly Invitae), Labcorp
Classification: Uncertain significance. Last evaluated: 2025-01-27. Review status: criteria provided, single submitter. Criteria: Invitae Variant Classification Sherloc (09022015). Collection method: clinical testing. Allele origin: germline.
Comment: This sequence change replaces valine, which is neutral and non-polar, with methionine, which is neutral and non-polar, at codon 196 of the DHX37 protein (p.Val196Met). This variant is present in population databases (no rsID available, gnomAD 0.003%). This variant has not been reported in the literature in individuals affected with DHX37-related conditions. ClinVar contains an entry for this variant (Variation ID: 2892828). An algorithm developed to predict the effect of missense changes on protein structure and function outputs the following: PolyPhen-2: "Benign". The methionine amino acid residue is found in multiple mammalian species, which suggests that this missense change does not adversely affect protein function. In summary, the available evidence is currently insufficient to determine the role of this variant in disease. Therefore, it has been classified as a Variant of Uncertain Significance.

NM_032656.4(DHX37):c.586G>A (p.Val196Met)

Gene: DHX37 (DEAH-box helicase 37; minus strand). Cytogenetic location: 12q24.31.
Variant type: single nucleotide variant.
Coding change: c.586G>A on transcript NM_032656.4 (MANE Select); coding-DNA position 586, G replaced by A.
Protein change: p.Val196Met; replaces valine 196 with methionine.
Molecular consequence: missense variant.
Genome position (GRCh38, 1-based): chr12:124,980,642, C>T on the plus strand (G>A on the coding strand, the complement: DHX37 is on the minus strand). VCF-style: chr12-124980642-C-T. GRCh37 (hg19) VCF-style: chr12-125465188-C-T.
Other names: short protein forms V196M.
Identifiers: ClinVar variation 2892828 (VCV002892828.3), dbSNP rs1310540632, ClinGen allele CA387227661.